The following is an entry in ClinVar:

ClinVar aggregate classification (germline): Likely benign. Review status: criteria provided, multiple submitters, no conflicts (2 of 4 stars). 2 submissions from 2 submitters: Likely benign (2). Last evaluated 2024-09-12.

Conditions:
Hereditary diffuse gastric adenocarcinoma (HDGC). Also called: DIFFUSE GASTRIC AND LOBULAR BREAST CANCER SYNDROME. Identifiers: Orphanet 26106, MedGen C1708349, MONDO:0007648, OMIM 137215.

Submissions (2):

Myriad Genetics, Inc.
Classification: Likely benign for Hereditary diffuse gastric adenocarcinoma. Last evaluated: 2024-09-12. Review status: criteria provided, single submitter. Criteria: Myriad Autosomal Dominant, Autosomal Recessive and X-Linked Classification Criteria (2023). Collection method: clinical testing. Allele origin: unknown.
Comment: This variant is considered likely benign. This variant is intronic and is not expected to impact mRNA splicing.

Labcorp Genetics (formerly Invitae), Labcorp
Classification: Likely benign for Hereditary diffuse gastric adenocarcinoma. Last evaluated: 2023-08-05. Review status: criteria provided, single submitter. Criteria: Invitae Variant Classification Sherloc (09022015). Collection method: clinical testing. Allele origin: germline.

NM_004360.5(CDH1):c.164-17_164-16del

Gene: CDH1 (cadherin 1; plus strand). Cytogenetic location: 16q22.1.
Variant type: Microsatellite.
Coding change: c.164-17_164-16del on transcript NM_004360.5 (MANE Select); 17 bases into the intron before coding-DNA position 164 through 16 bases into the intron before coding-DNA position 164, 2 bases deleted (TG; older notation c.164-17_164-16delTG).
Molecular consequence: intron variant.
Genome position (GRCh38, 1-based): chr16:68,801,653-68,801,654, TG deleted; deleting any 2 consecutive bases within chr16:68,801,651-68,801,654 gives the same sequence; the c. name uses the placement nearest the transcript's 3' end. VCF-style (leftmost placement, unchanged base first): chr16-68801650-CTG-C. GRCh37 (hg19) VCF-style: chr16-68835553-CTG-C.
Other names: c.-1452-17_-1452-16del (NM_001317185.2); c.-1656-17_-1656-16del (NM_001317186.2); c.164-17_164-16del (NM_001317184.2).
Identifiers: ClinVar variation 2102629 (VCV002102629.5), dbSNP rs2543903718, ClinGen allele CA2580612819.